The following is an entry in ClinVar:

ClinVar aggregate classification (germline): Uncertain significance. Review status: criteria provided, multiple submitters, no conflicts (2 of 4 stars). 2 submissions from 2 submitters: Uncertain significance (2). Last evaluated 2025-11-19.

Conditions:
Hereditary pancreatitis (PCTT). Also called: Hereditary chronic pancreatitis; PRSS1-Related Hereditary Pancreatitis. Identifiers: Orphanet 676, MedGen C0238339, MONDO:0008185, OMIM 167800.

Allele frequency attached by ClinVar (database versions not stated): TOPMed 0.00002.
gnomAD v4.1: 71 of 1,613,850 alleles (0.0044%); highest among the groups gnomAD compares: Non-Finnish European, 0.0058%; no homozygotes.

Submissions (2):

Ambry Genetics
Classification: Uncertain significance for Hereditary pancreatitis. Last evaluated: 2025-11-19. Review status: criteria provided, single submitter. Criteria: Ambry Variant Classification Scheme 2023. Collection method: clinical testing. Allele origin: germline.

Labcorp Genetics (formerly Invitae), Labcorp
Classification: Uncertain significance for Hereditary pancreatitis. Last evaluated: 2025-06-24. Review status: criteria provided, single submitter. Criteria: Invitae Variant Classification Sherloc (09022015). Collection method: clinical testing. Allele origin: germline.
Comment: This sequence change replaces valine, which is neutral and non-polar, with leucine, which is neutral and non-polar, at codon 123 of the PRSS1 protein (p.Val123Leu). The frequency data for this variant in the population databases is considered unreliable, as metrics indicate poor data quality at this position in the gnomAD database. This variant has not been reported in the literature in individuals affected with PRSS1-related conditions. ClinVar contains an entry for this variant (Variation ID: 824064). Invitae Evidence Modeling of protein sequence and biophysical properties (such as structural, functional, and spatial information, amino acid conservation, physicochemical variation, residue mobility, and thermodynamic stability) has been performed for this missense variant. However, the output from this modeling did not meet the statistical confidence thresholds required to predict the impact of this variant on PRSS1 protein function. In summary, the available evidence is currently insufficient to determine the role of this variant in disease. Therefore, it has been classified as a Variant of Uncertain Significance.

NM_002769.5(PRSS1):c.367G>T (p.Val123Leu)

Genes: TRB (T cell receptor beta locus; plus strand), PRSS1 (serine protease 1; plus strand). Cytogenetic location: 7q34.
Variant type: single nucleotide variant.
Coding change: c.367G>T on transcript NM_002769.5 (MANE Select); coding-DNA position 367, G replaced by T.
Protein change: p.Val123Leu; replaces valine 123 with leucine.
Molecular consequence: missense variant.
Genome position (GRCh38, 1-based): chr7:142,751,940, G>T. VCF-style: chr7-142751940-G-T. GRCh37 (hg19) VCF-style: chr7-142459791-G-T.
Other names: short protein forms V123L.
Identifiers: ClinVar variation 824064 (VCV000824064.12), dbSNP rs144403091, ClinGen allele CA4529937.